The following is an entry in ClinVar:

ClinVar aggregate classification (germline): Uncertain significance. Review status: criteria provided, multiple submitters, no conflicts (2 of 4 stars). 4 submissions from 4 submitters: Uncertain significance (4). Last evaluated 2025-08-05.

Conditions:
MOCOS-related disorder. Also called: MOCOS-related condition.
Xanthinuria type II. Also called: Xanthine dehydrogenase and aldehyde oxidase combined deficiency of; XDH and AOX dual deficiency. Identifiers: Orphanet 3467, Orphanet 93602, MedGen C1863688, MONDO:0011346, OMIM 603592.

Allele frequency attached by ClinVar (database versions not stated): gnomAD exomes 0.00003 and 0.00012; ExAC 0.00006; TOPMed 0.00007; ESP Exome Variant Server 0.00008; gnomAD 0.00009.
gnomAD v4.1: 188 of 1,613,882 alleles (0.012%); highest among the groups gnomAD compares: Non-Finnish European, 0.015%; 1 homozygote.

Submissions (4):

PreventionGenetics, part of Exact Sciences
Classification: Uncertain significance for MOCOS-related condition. Last evaluated: 2025-08-05. Review status: criteria provided, single submitter. Criteria: ACMG Guidelines, 2015. Collection method: clinical testing. Allele origin: germline.
Comment: The MOCOS c.1351G>A variant is predicted to result in the amino acid substitution p.Gly451Arg. To our knowledge, this variant has not been reported in the literature. This variant is reported in 0.0080% of alleles in individuals of European (Finnish) descent in gnomAD. At this time, the clinical significance of this variant is uncertain due to the absence of conclusive functional and genetic evidence.

Ambry Genetics
Classification: Uncertain significance. Last evaluated: 2025-04-13. Review status: criteria provided, single submitter. Criteria: Ambry Variant Classification Scheme 2023. Collection method: clinical testing. Allele origin: germline.

Labcorp Genetics (formerly Invitae), Labcorp
Classification: Uncertain significance for Xanthinuria type II. Last evaluated: 2023-11-01. Review status: criteria provided, single submitter. Criteria: Invitae Variant Classification Sherloc (09022015). Collection method: clinical testing. Allele origin: germline.
Comment: This sequence change replaces glycine, which is neutral and non-polar, with arginine, which is basic and polar, at codon 451 of the MOCOS protein (p.Gly451Arg). This variant is present in population databases (rs201070779, gnomAD 0.01%). This variant has not been reported in the literature in individuals affected with MOCOS-related conditions. ClinVar contains an entry for this variant (Variation ID: 948001). Advanced modeling of protein sequence and biophysical properties (such as structural, functional, and spatial information, amino acid conservation, physicochemical variation, residue mobility, and thermodynamic stability) performed at Invitae indicates that this missense variant is expected to disrupt MOCOS protein function with a positive predictive value of 80%. In summary, the available evidence is currently insufficient to determine the role of this variant in disease. Therefore, it has been classified as a Variant of Uncertain Significance.

Fulgent Genetics
Classification: Uncertain significance for Xanthinuria type II. Last evaluated: 2022-03-03. Review status: criteria provided, single submitter. Criteria: ACMG Guidelines, 2015. Collection method: clinical testing. Allele origin: unknown.

NM_017947.4(MOCOS):c.1351G>A (p.Gly451Arg)

Gene: MOCOS (molybdenum cofactor sulfurase; plus strand). Cytogenetic location: 18q12.2.
Variant type: single nucleotide variant.
Coding change: c.1351G>A on transcript NM_017947.4 (MANE Select); coding-DNA position 1351, G replaced by A.
Protein change: p.Gly451Arg; replaces glycine 451 with arginine.
Molecular consequence: missense variant.
Genome position (GRCh38, 1-based): chr18:36,215,531, G>A. VCF-style: chr18-36215531-G-A. GRCh37 (hg19) VCF-style: chr18-33795494-G-A.
Other names: short protein forms G451R.
Identifiers: ClinVar variation 948001 (VCV000948001.6), dbSNP rs201070779, ClinGen allele CA8940719.